The following is an entry in ClinVar:

ClinVar aggregate classification (germline): Likely pathogenic (1 of 4 stars; one submission).

Conditions:
Hereditary breast ovarian cancer syndrome. Also called: Hereditary breast and ovarian cancer; Hereditary breast and ovarian cancer syndrome; Breast and ovarian cancer; BRCA1- and BRCA2-Associated Hereditary Breast and Ovarian Cancer; Hereditary breast and/or ovarian cancer syndrome; Hereditary breast and ovarian cancer syndrome (HBOC). Identifiers: Orphanet 145, MedGen C0677776, MeSH D061325, MONDO:0003582. Disease mechanism: loss of function.

Submission:

Women's Health and Genetics/Laboratory Corporation of America, LabCorp
Classification: Likely pathogenic for Hereditary breast ovarian cancer syndrome. Last evaluated: 2021-02-12. Review status: criteria provided, single submitter. Criteria: LabCorp Variant Classification Summary - May 2015. Collection method: clinical testing. Allele origin: germline.
Comment: Variant summary: BRCA2 c.866delA (p.Asn289MetfsX3) results in a premature termination codon, predicted to cause a truncation of the encoded protein or absence of the protein due to nonsense mediated decay, which are commonly known mechanisms for disease. Truncations downstream of this position have been classified as pathogenic by our laboratory. The variant was absent in 239502 control chromosomes. To our knowledge, no occurrence of c.866delA in individuals affected with Hereditary Breast And Ovarian Cancer Syndrome and no experimental evidence demonstrating its impact on protein function have been reported. No clinical diagnostic laboratories have submitted clinical-significance assessments for this variant to ClinVar after 2014. Based on the evidence outlined above, the variant was classified as likely pathogenic.

NM_000059.4(BRCA2):c.866del (p.Asn289fs)

Gene: BRCA2 (BRCA2 DNA repair associated; plus strand). Cytogenetic location: 13q13.1.
Variant type: Deletion.
Coding change: c.866del on transcript NM_000059.4 (MANE Select); coding-DNA position 866, one base deleted (A; older notation c.866delA).
Protein change: p.Asn289fs; shifts the reading frame from asparagine 289.
Molecular consequence: frameshift variant.
Genome position (GRCh38, 1-based): chr13:32,332,344, A deleted; the last of 3 consecutive A bases (chr13:32,332,342-32,332,344); deleting any one gives the same sequence. VCF-style (leftmost placement, unchanged base first): chr13-32332341-CA-C. GRCh37 (hg19) VCF-style: chr13-32906478-CA-C.
Other names: short protein forms N289fs.
Identifiers: ClinVar variation 997942 (VCV000997942.1), dbSNP rs2072398949, ClinGen allele CA2082762374.